The following is an entry in ClinVar:

NM_000051.4(ATM):c.7516-16T>C

Genes: ATM (ATM serine/threonine kinase; plus strand), C11orf65 (chromosome 11 open reading frame 65; minus strand). Cytogenetic location: 11q22.3.
Variant type: single nucleotide variant.
Coding change: c.7516-16T>C on transcript NM_000051.4 (MANE Select); 16 bases into the intron before coding-DNA position 7516, T replaced by C.
Molecular consequence: intron variant. On other transcripts: non-coding transcript variant (1).
Genome position (GRCh38, 1-based): chr11:108,331,428, T>C. VCF-style: chr11-108331428-T-C. GRCh37 (hg19) VCF-style: chr11-108202155-T-C.
Other names: c.7516-16T>C (NM_001351834.2); c.641-22357A>G (NM_001330368.2); c.*38+3792A>G (NM_001351110.2).
Identifiers: ClinVar variation 918238 (VCV000918238.8), dbSNP rs2086218796, ClinGen allele CA913188488.
Genomic context (GRCh38, chr11:108,331,428, plus strand): 5'-AATAACTTACTTGCTTAGATGTGAGAATATTTGAAATACCTTGTTTCTTAATTTTGTGTC[T>C]TTTTTTTAATGGTAGAGAGACGGAATGAAGATTCCAACATATAAATTTTTGCCTCTTATG-3'

ClinVar aggregate classification (germline): Likely benign. Review status: criteria provided, multiple submitters, no conflicts (2 of 4 stars). 3 submissions from 3 submitters: Likely benign (3). Last evaluated 2025-10-01.

Conditions:
Hereditary cancer-predisposing syndrome. Also called: Tumor predisposition; Neoplastic Syndromes, Hereditary; Hereditary neoplastic syndrome; Hereditary Cancer Syndrome. Identifiers: Orphanet 140162, MedGen C0027672, MeSH D009386, MONDO:0015356.
Familial cancer of breast. Also called: Hereditary breast cancer; hereditary breast carcinoma; BREAST CANCER, FAMILIAL. Identifiers: Orphanet 227535, MedGen C0346153, MONDO:0016419, OMIM 114480. Disease mechanism: loss of function.
Ataxia-telangiectasia syndrome (AT). Also called: Ataxia-telangiectasia, complementation group D; AT, COMPLEMENTATION GROUP C; ATAXIA-TELANGIECTASIA, COMPLEMENTATION GROUP A; ATAXIA-TELANGIECTASIA, FRESNO VARIANT; Ataxia-telangiectasia; Ataxia telangiectasia (A-T). Identifiers: Orphanet 100, MedGen C0004135, MONDO:0008840, OMIM 208900.

Submissions (3):

Labcorp Genetics (formerly Invitae), Labcorp
Classification: Likely benign for Ataxia-telangiectasia syndrome. Last evaluated: 2025-10-01. Review status: criteria provided, single submitter. Criteria: Invitae Variant Classification Sherloc (09022015). Collection method: clinical testing. Allele origin: germline.

Myriad Genetics, Inc.
Classification: Likely benign for Familial cancer of breast. Last evaluated: 2024-06-14. Review status: criteria provided, single submitter. Criteria: Myriad Autosomal Dominant, Autosomal Recessive and X-Linked Classification Criteria (2023). Collection method: clinical testing. Allele origin: unknown.
Comment: This variant is considered likely benign. This variant is intronic and is not expected to impact mRNA splicing.

Color Diagnostics, LLC DBA Color Health
Classification: Likely benign for Hereditary cancer-predisposing syndrome. Last evaluated: 2019-01-02. Review status: criteria provided, single submitter. Criteria: ACMG Guidelines, 2015. Collection method: clinical testing. Allele origin: germline.